The following is an entry in ClinVar:

ClinVar aggregate classification (germline): Uncertain significance. Review status: criteria provided, single submitter (1 of 4 stars). 2 submissions from 2 submitters: Uncertain significance (1). 1 of the submissions does not count toward it. Last evaluated 2022-10-27.

Conditions:
IFT172-related disorder. Also called: IFT172-related condition; IFT172-related disorders.

gnomAD v4.1: 3 of 1,613,982 alleles (0.00019%); highest among the groups gnomAD compares: East Asian, 0.0022%; no homozygotes.

Submissions (2):

Blueprint Genetics
Classification: Uncertain significance. Last evaluated: 2022-10-27. Review status: criteria provided, single submitter. Criteria: ACMG Guidelines, 2015. Collection method: clinical testing. Allele origin: germline.

PreventionGenetics, part of Exact Sciences
Classification: Uncertain significance for IFT172-related condition. Last evaluated: 2024-03-27. Review status: no assertion criteria provided. Collection method: clinical testing. Allele origin: germline. Not counted in ClinVar's aggregate classification.
Comment: The IFT172 c.1792G>A variant is predicted to result in the amino acid substitution p.Glu598Lys. To our knowledge, this variant has not been reported in the literature. This variant is reported in 0.0050% of alleles in individuals of East Asian descent in gnomAD. At this time, the clinical significance of this variant is uncertain due to the absence of conclusive functional and genetic evidence.

NM_015662.3(IFT172):c.1792G>A (p.Glu598Lys)

Gene: IFT172 (intraflagellar transport 172; minus strand). Cytogenetic location: 2p23.3.
Variant type: single nucleotide variant.
Coding change: c.1792G>A on transcript NM_015662.3 (MANE Select); coding-DNA position 1792, G replaced by A.
Protein change: p.Glu598Lys; replaces glutamic acid 598 with lysine.
Molecular consequence: missense variant.
Genome position (GRCh38, 1-based): chr2:27,465,783, C>T on the plus strand (G>A on the coding strand, the complement: IFT172 is on the minus strand). VCF-style: chr2-27465783-C-T. GRCh37 (hg19) VCF-style: chr2-27688650-C-T.
Other names: c.1726G>A, p.Glu576Lys (NM_001410739.1); short protein forms E576K, E598K.
Identifiers: ClinVar variation 3349055 (VCV003349055.2).
Genomic context (GRCh38, chr2:27,465,783, plus strand): 5'-CTGGTTATTGGCCAGCCTCTCACCGGATGTAGTTGCCATCATCAATGGCTGTTCCAAACT[C>T]GATGAGGCCCTCATCCAATGTGTAGGCAACAGTAGTCACACCTTCCATCACCATCACCTC-3'
Protein context (NP_056477.1, residues 588-608): VAYTLDEGLI[Glu598Lys]FGTAIDDGNY